The following is an entry in ClinVar:

NM_002880.4(RAF1):c.1914G>A (p.Thr638=)

Gene: RAF1 (Raf-1 proto-oncogene, serine/threonine kinase; minus strand). Cytogenetic location: 3p25.2.
Variant type: single nucleotide variant.
Coding change: c.1914G>A on transcript NM_002880.4 (MANE Select); coding-DNA position 1914, G replaced by A.
Protein change: p.Thr638=; no amino-acid change (threonine 638 retained).
Molecular consequence: synonymous variant. On other transcripts: non-coding transcript variant (3).
Genome position (GRCh38, 1-based): chr3:12,584,547, C>T on the plus strand (G>A on the coding strand, the complement: RAF1 is on the minus strand). VCF-style: chr3-12584547-C-T. GRCh37 (hg19) VCF-style: chr3-12626046-C-T.
Other names: p.T638T; NM_002880.3(RAF1):c.1914G>A; c.1974G>A, p.Thr658= (NM_001354689.3); c.1914G>A, p.Thr638= (NM_001354690.3); c.1671G>A, p.Thr557= (NM_001354691.3, NM_001354692.3); c.1815G>A, p.Thr605= (NM_001354693.3); c.1731G>A, p.Thr577= (NM_001354694.3); c.1572G>A, p.Thr524= (NM_001354695.3).
Identifiers: ClinVar variation 40628 (VCV000040628.55), dbSNP rs144876026, ClinGen allele CA134715.
Genomic context (GRCh38, chr3:12,584,547, plus strand): 5'-GCAGCCTGAAGACAGGTGCAAAGTCAACTAGAAGACAGGCAGCCTCGGGGACGTGGTCAG[C>T]GTGCAAGCATTGATATCCTCAGTGTGGGCTGCCCGATGCAAGGATGGCTCGGAAGCGCTC-3'
Protein context (NP_002871.1, residues 628-648): AAHTEDINAC[Thr638=]LTTSPRLPVF

ClinVar aggregate classification (germline): Benign. Review status: reviewed by expert panel (3 of 4 stars). 13 submissions from 12 submitters: Benign (1). 12 of the submissions do not count toward it. Last evaluated 2017-04-18.

Conditions:
Noonan syndrome and Noonan-related syndrome. Identifiers: Orphanet 98733, MedGen C5681679, MONDO:0020297.
Cardiovascular phenotype. Identifiers: MedGen CN230736.
RASopathy. Also called: rasopathies; Noonan spectrum disorder. Identifiers: Orphanet 536391, MedGen C5555857, MONDO:0021060.
LEOPARD syndrome 2 (LPRD2). Also called: RAF1-Related LEOPARD Syndrome. Identifiers: Orphanet 500, MedGen C1969056, MONDO:0012691, OMIM 611554.
Noonan syndrome 5 (NS5). Also called: RAF1-Related Noonan Syndrome. Identifiers: Orphanet 648, MedGen C1969057, MONDO:0012690, OMIM 611553. Disease mechanism: gain of function.

Allele frequency attached by ClinVar (database versions not stated): gnomAD 0.00001 and 0.00034; TOPMed 0.00008; gnomAD exomes 0.00065; 1000 Genomes Project 30x 0.00312; 1000 Genomes Project 0.00359.
gnomAD v4.1: 994 of 1,614,168 alleles (0.062%); highest among the groups gnomAD compares: South Asian, 1%; 16 homozygotes.

Submissions (13):

ClinGen RASopathy Variant Curation Expert Panel
Classification: Benign for Noonan syndrome and Noonan-related syndrome. Last evaluated: 2017-04-18. Review status: reviewed by expert panel. Criteria: ClinGen RASopathy ACMG Specifications v1. Collection method: curation. Allele origin: germline. Inheritance: Autosomal dominant inheritance.
Comment: The filtering allele frequency of the c.1914G>A (p.Thr638=) variant in the RAF1 gene is 0.926% (174/16512) of South Asian chromosomes by the Exome Aggregation Consortium, which is a high enough frequency to be classified as benign based on thresholds defined by the ClinGen RASopathy Expert Panel (BA1; PMID:29493581)

Molecular Diagnostic Laboratory for Inherited Cardiovascular Disease, Montreal Heart Institute
Classification: Benign. Last evaluated: 2026-03-27. Review status: criteria provided, single submitter. Criteria: ACMG Guidelines, 2015. Collection method: clinical testing. Allele origin: germline. Affected: no. Not counted in ClinVar's aggregate classification.
Comment: BS1;BP7

Labcorp Genetics (formerly Invitae), Labcorp
Classification: Benign for RASopathy. Last evaluated: 2026-01-19. Review status: criteria provided, single submitter. Criteria: Invitae Variant Classification Sherloc (09022015). Collection method: clinical testing. Allele origin: germline. Not counted in ClinVar's aggregate classification.

Blueprint Genetics
Classification: Benign. Last evaluated: 2024-11-26. Review status: criteria provided, single submitter. Criteria: ACMG Guidelines, 2015. Collection method: clinical testing. Allele origin: germline. Not counted in ClinVar's aggregate classification.

CeGaT Center for Human Genetics Tuebingen
Classification: Benign. Last evaluated: 2023-04-01. Review status: criteria provided, single submitter. Criteria: CeGaT Center For Human Genetics Tuebingen Variant Classification Criteria Version 2. Collection method: clinical testing. Allele origin: germline. Affected: yes. Observed: 1 variant allele. Not counted in ClinVar's aggregate classification.
Comment: RAF1: BP4, BP7, BS1, BS2

Genome Diagnostics Laboratory, The Hospital for Sick Children
Classification: Benign for Noonan syndrome and Noonan-related syndrome. Last evaluated: 2021-04-09. Review status: criteria provided, single submitter. Criteria: ACMG Guidelines, 2015. Collection method: clinical testing. Allele origin: germline. Not counted in ClinVar's aggregate classification.

Women's Health and Genetics/Laboratory Corporation of America, LabCorp
Classification: Benign. Last evaluated: 2019-08-30. Review status: criteria provided, single submitter. Criteria: LabCorp Variant Classification Summary - May 2015. Collection method: clinical testing. Allele origin: germline. Not counted in ClinVar's aggregate classification.

Illumina Laboratory Services, Illumina
Classification: Benign for LEOPARD syndrome 2. Last evaluated: 2018-01-13. Review status: criteria provided, single submitter. Criteria: ICSL Variant Classification Criteria 13 December 2019. Collection method: clinical testing. Allele origin: germline. Not counted in ClinVar's aggregate classification.
Comment: This variant was observed in the ICSL laboratory as part of a predisposition screen in an ostensibly healthy population. It had not been previously curated by ICSL or reported in the Human Gene Mutation Database (HGMD: prior to June 1st, 2018), and was therefore a candidate for classification through an automated scoring system. Utilizing variant allele frequency, disease prevalence and penetrance estimates, and inheritance mode, an automated score was calculated to assess if this variant is too frequent to cause the disease. Based on the score and internal cut-off values, a variant classified as benign is not then subjected to further curation. The score for this variant resulted in a classification of benign for this disease.

Illumina Laboratory Services, Illumina
Classification: Likely benign for Noonan syndrome 5. Last evaluated: 2018-01-13. Review status: criteria provided, single submitter. Criteria: ICSL Variant Classification Criteria 13 December 2019. Collection method: clinical testing. Allele origin: germline. Not counted in ClinVar's aggregate classification.
Comment: This variant was observed in the ICSL laboratory as part of a predisposition screen in an ostensibly healthy population. It had not been previously curated by ICSL or reported in the Human Gene Mutation Database (HGMD: prior to June 1st, 2018), and was therefore a candidate for classification through an automated scoring system. Utilizing variant allele frequency, disease prevalence and penetrance estimates, and inheritance mode, an automated score was calculated to assess if this variant is too frequent to cause the disease. Based on the score and internal cut-off values, a variant classified as likely benign is not then subjected to further curation. The score for this variant resulted in a classification of likely benign for this disease.

Laboratory for Molecular Medicine, Mass General Brigham Personalized Medicine
Classification: Benign. Last evaluated: 2015-08-10. Review status: criteria provided, single submitter. Criteria: LMM Criteria. Collection method: clinical testing. Allele origin: germline. Observed: 5 variant alleles. Not counted in ClinVar's aggregate classification.
Comment: p.Thr638Thr in exon 17 of RAF1: This variant is not expected to have clinical si gnificance because it does not alter an amino acid residue and is not located wi thin the splice consensus sequence. It has been identified in 1% (174/16512) of European chromosomes by the Exome Aggregation Consortium (ExAC; dbSNP rs144876026).

Ambry Genetics
Classification: Benign for Cardiovascular phenotype. Last evaluated: 2015-05-21. Review status: criteria provided, single submitter. Criteria: Ambry Variant Classification Scheme 2023. Collection method: clinical testing. Allele origin: germline. Not counted in ClinVar's aggregate classification.

GeneDx
Classification: Benign. Last evaluated: 2015-03-03. Review status: criteria provided, single submitter. Criteria: GeneDx Variant Classification Process June 2021. Collection method: clinical testing. Allele origin: germline. Affected: yes. Not counted in ClinVar's aggregate classification.

PreventionGenetics, part of Exact Sciences
Classification: Benign. Review status: criteria provided, single submitter. Criteria: ACMG Guidelines, 2015. Collection method: clinical testing. Allele origin: germline. Not counted in ClinVar's aggregate classification.